The following is an entry in ClinVar:

NM_001308093.3(GATA4):c.444G>C (p.Gln148His)

Gene: GATA4 (GATA binding protein 4). Cytogenetic location: 8p23.1.
Variant type: single nucleotide variant.
Coding change: c.444G>C on transcript NM_001308093.3 (MANE Select); coding-DNA position 444, G replaced by C.
Protein change: p.Gln148His; replaces glutamine 148 with histidine.
Molecular consequence: missense variant. On other transcripts: intron variant (3).
Genome position (GRCh38, 1-based): chr8:11,708,756, G>C. VCF-style: chr8-11708756-G-C. GRCh37 (hg19) VCF-style: chr8-11566265-G-C.
Other names: c.444G>C, p.Gln148His (NM_002052.5); c.-6+7978G>C (NM_001308094.2); c.-3+742G>C (NM_001374274.1); c.-3+4452G>C (NM_001374273.1); short protein forms Q148H.
Identifiers: ClinVar variation 3519058 (VCV003519058.1).
Genomic context (GRCh38, chr8:11,708,756, plus strand): 5'-AGCTGCGGCCTACAGCAGTGGCGGCGGAGCGGCGGGTGCGGGCCTGGCGGGCCGCGAGCA[G>C]TACGGGCGCGCCGGCTTCGCGGGCTCCTACTCCAGCCCCTACCCGGCTTACATGGCCGAC-3'
Protein context (NP_001295022.1, residues 138-158): AAGAGLAGRE[Gln148His]YGRAGFAGSY

ClinVar aggregate classification (germline): Uncertain significance (1 of 4 stars; one submission).

Conditions:
Cardiovascular phenotype. Identifiers: MedGen CN230736.

gnomAD v4.1: 23 of 1,407,082 alleles (0.0016%); highest among the groups gnomAD compares: Non-Finnish European, 0.0021%; no homozygotes.

Submission:

Ambry Genetics
Classification: Uncertain significance for Cardiovascular phenotype. Last evaluated: 2024-11-23. Review status: criteria provided, single submitter. Criteria: Ambry Variant Classification Scheme 2023. Collection method: clinical testing. Allele origin: germline.
Comment: The p.Q148H variant (also known as c.444G>C), located in coding exon 1 of the GATA4 gene, results from a G to C substitution at nucleotide position 444. The glutamine at codon 148 is replaced by histidine, an amino acid with highly similar properties. This amino acid position is conserved. In addition, the in silico prediction for this alteration is inconclusive. Based on the available evidence, the clinical significance of this variant remains unclear.